The following is an entry in ClinVar:

ClinVar aggregate classification (germline): Likely benign. Review status: criteria provided, multiple submitters, no conflicts (2 of 4 stars). 2 submissions from 2 submitters: Likely benign (2). Last evaluated 2025-06-08.

Conditions:
Developmental and epileptic encephalopathy, 33 (DEE33). Also called: Epileptic encephalopathy, early infantile, 33. Identifiers: Orphanet 442835, MedGen C4225337, MONDO:0014625, OMIM 616409.

Allele frequency attached by ClinVar (database versions not stated): gnomAD 0.00001; gnomAD exomes 0.00002 and 0.00004; ExAC 0.00004; TOPMed 0.00005; ESP Exome Variant Server 0.00023.
gnomAD v4.1: 34 of 1,612,670 alleles (0.0021%); highest among the groups gnomAD compares: Middle Eastern, 0.016%; no homozygotes.

Submissions (2):

Labcorp Genetics (formerly Invitae), Labcorp
Classification: Likely benign for Developmental and epileptic encephalopathy, 33. Last evaluated: 2025-06-08. Review status: criteria provided, single submitter. Criteria: Invitae Variant Classification Sherloc (09022015). Collection method: clinical testing. Allele origin: germline.

CeGaT Center for Human Genetics Tuebingen
Classification: Likely benign. Last evaluated: 2022-10-01. Review status: criteria provided, single submitter. Criteria: CeGaT Center For Human Genetics Tuebingen Variant Classification Criteria Version 2. Collection method: clinical testing. Allele origin: germline. Affected: yes. Observed: 1 variant allele.
Comment: EEF1A2: BP4, BP7

NM_001958.5(EEF1A2):c.900C>T (p.Ser300=)

Gene: EEF1A2 (eukaryotic translation elongation factor 1 alpha 2; minus strand). Cytogenetic location: 20q13.33.
Variant type: single nucleotide variant.
Coding change: c.900C>T on transcript NM_001958.5 (MANE Select); coding-DNA position 900, C replaced by T.
Protein change: p.Ser300=; no amino-acid change (serine 300 retained).
Molecular consequence: synonymous variant.
Genome position (GRCh38, 1-based): chr20:63,490,608, G>A on the plus strand (C>T on the coding strand, the complement: EEF1A2 is on the minus strand). VCF-style: chr20-63490608-G-A. GRCh37 (hg19) VCF-style: chr20-62121961-G-A.
Identifiers: ClinVar variation 770092 (VCV000770092.34), dbSNP rs374349515, ClinGen allele CA9959010.
Genomic context (GRCh38, chr20:63,490,608, plus strand): 5'-GATGTCCTTCACCGACACGTTCTTCACATTGAAGCCGACGTTGTCGCCGGGCAGAGCTTC[G>A]CTCAGAGCCTCGTGGTGCATCTCCACTGACTTCACCTCAGTGGTGATGTTCACTGGCGCA-3'
Protein context (NP_001949.1, residues 290-310): KSVEMHHEAL[Ser300=]EALPGDNVGF